The following is an entry in ClinVar:

NM_001376.5(DYNC1H1):c.3812T>G (p.Leu1271Arg)

Gene: DYNC1H1 (dynein cytoplasmic 1 heavy chain 1; plus strand). Cytogenetic location: 14q32.31.
Variant type: single nucleotide variant.
Coding change: c.3812T>G on transcript NM_001376.5 (MANE Select); coding-DNA position 3812, T replaced by G.
Protein change: p.Leu1271Arg; replaces leucine 1271 with arginine.
Molecular consequence: missense variant.
Genome position (GRCh38, 1-based): chr14:101,999,996, T>G. VCF-style: chr14-101999996-T-G. GRCh37 (hg19) VCF-style: chr14-102466333-T-G.
Other names: short protein forms L1271R.
Identifiers: ClinVar variation 4537693 (VCV004537693.1).
Genomic context (GRCh38, chr14:101,999,996, plus strand): 5'-TCATCTCTCCTGAGACATTGTGCTCCAATTCTCTGTGCTCTGACTGCTTTCAGGGCAACC[T>G]TCGCCCAGAAGAGGCACTTCAGGCTCTCACCATATATGAGGGGAAGTTTGGTAGGCTGAA-3'
Protein context (NP_001367.2, residues 1261-1281): WEKTKPVTGN[Leu1271Arg]RPEEALQALT

ClinVar aggregate classification (germline): Uncertain significance (1 of 4 stars; one submission).

Submission:

GeneDx
Classification: Uncertain significance. Last evaluated: 2025-06-11. Review status: criteria provided, single submitter. Criteria: GeneDx Variant Classification Process June 2021. Collection method: clinical testing. Allele origin: germline. Affected: yes.
Comment: Not observed at significant frequency in large population cohorts (gnomAD); In silico analysis supports that this missense variant has a deleterious effect on protein structure/function; Has not been previously published as pathogenic or benign to our knowledge; This variant is associated with the following publications: (PMID: 25512093, 25609763, 26100331)